The following is an entry in ClinVar:

NC_000022.11:g.20356432G>A

Variant type: single nucleotide variant.
Genome position: GRCh38 VCF-style: chr22-20356432-G-A. GRCh37 (hg19) VCF-style: chr22-20710722-G-A.
Identifiers: ClinVar variation 4534034 (VCV004534034.6).

ClinVar aggregate classification (germline): Likely benign (1 of 4 stars; one submission).

Submission:

CeGaT Center for Human Genetics Tuebingen
Classification: Likely benign. Last evaluated: 2025-11-01. Review status: criteria provided, single submitter. Criteria: CeGaT Center For Human Genetics Tuebingen Variant Classification Criteria Version 2. Collection method: clinical testing. Allele origin: germline. Affected: yes. Observed: 1 variant allele.
Comment: FAM230A: BP4, BP7